The following is an entry in ClinVar:

NM_015295.3(SMCHD1):c.3497A>T (p.Glu1166Val)

Gene: SMCHD1 (structural maintenance of chromosomes flexible hinge domain containing 1; plus strand). Cytogenetic location: 18p11.32.
Variant type: single nucleotide variant.
Coding change: c.3497A>T on transcript NM_015295.3 (MANE Select); coding-DNA position 3497, A replaced by T.
Protein change: p.Glu1166Val; replaces glutamic acid 1166 with valine.
Molecular consequence: missense variant.
Genome position (GRCh38, 1-based): chr18:2,739,503, A>T. VCF-style: chr18-2739503-A-T. GRCh37 (hg19) VCF-style: chr18-2739501-A-T.
Other names: short protein forms E1166V.
Identifiers: ClinVar variation 3698250 (VCV003698250.2).
Genomic context (GRCh38, chr18:2,739,503, plus strand): 5'-ATGAACCTAAACATTTAAAATGTGAAATGAAAGGAGGAAAAACAGTACAGATGGGCCAAG[A>T]GCTTCAAGGAGAAGTAGGTTAGTATGGCTTGCTTTAAAAAACAAACAACAAAAAAATCTT-3'
Protein context (NP_056110.2, residues 1156-1176): KGGKTVQMGQ[Glu1166Val]LQGEVVIIIT

ClinVar aggregate classification (germline): Uncertain significance (1 of 4 stars; one submission).

Conditions:
Facioscapulohumeral muscular dystrophy 2 (FSHD2). Also called: MUSCULAR DYSTROPHY, FACIOSCAPULOHUMERAL, TYPE 1B; FACIOSCAPULOHUMERAL MUSCULAR DYSTROPHY 2, DIGENIC; FSHD2, DIGENIC. Identifiers: Orphanet 269, MedGen C1834671, MONDO:0008031, OMIM 158901.

Submission:

Labcorp Genetics (formerly Invitae), Labcorp
Classification: Uncertain significance for Facioscapulohumeral muscular dystrophy 2. Last evaluated: 2024-08-08. Review status: criteria provided, single submitter. Criteria: Invitae Variant Classification Sherloc (09022015). Collection method: clinical testing. Allele origin: germline.
Comment: This sequence change replaces glutamic acid, which is acidic and polar, with valine, which is neutral and non-polar, at codon 1166 of the SMCHD1 protein (p.Glu1166Val). This variant is not present in population databases (gnomAD no frequency). This variant has not been reported in the literature in individuals affected with SMCHD1-related conditions. Advanced modeling of protein sequence and biophysical properties (such as structural, functional, and spatial information, amino acid conservation, physicochemical variation, residue mobility, and thermodynamic stability) performed at Invitae indicates that this missense variant is not expected to disrupt SMCHD1 protein function with a negative predictive value of 80%. In summary, the available evidence is currently insufficient to determine the role of this variant in disease. Therefore, it has been classified as a Variant of Uncertain Significance.